The following is an entry in ClinVar:

NM_020778.5(ALPK3):c.428G>C (p.Arg143Pro)

Gene: ALPK3 (alpha kinase 3; plus strand). Cytogenetic location: 15q25.3.
Variant type: single nucleotide variant.
Coding change: c.428G>C on transcript NM_020778.5 (MANE Select); coding-DNA position 428, G replaced by C.
Protein change: p.Arg143Pro; replaces arginine 143 with proline.
Molecular consequence: missense variant.
Genome position (GRCh38, 1-based): chr15:84,839,707, G>C. VCF-style: chr15-84839707-G-C. GRCh37 (hg19) VCF-style: chr15-85382938-G-C.
Other names: short protein forms R143P.
Identifiers: ClinVar variation 1717408 (VCV001717408.5), dbSNP rs372329290, ClinGen allele CA393372449.

ClinVar aggregate classification (germline): Uncertain significance (1 of 4 stars; one submission).

Submission:

Labcorp Genetics (formerly Invitae), Labcorp
Classification: Uncertain significance. Last evaluated: 2022-09-06. Review status: criteria provided, single submitter. Criteria: Invitae Variant Classification Sherloc (09022015). Collection method: clinical testing. Allele origin: germline.
Comment: In summary, the available evidence is currently insufficient to determine the role of this variant in disease. Therefore, it has been classified as a Variant of Uncertain Significance. Algorithms developed to predict the effect of missense changes on protein structure and function are either unavailable or do not agree on the potential impact of this missense change (SIFT: "Deleterious"; PolyPhen-2: "Possibly Damaging"; Align-GVGD: "Class C0"). This variant has not been reported in the literature in individuals affected with ALPK3-related conditions. This variant is not present in population databases (gnomAD no frequency). This sequence change replaces arginine, which is basic and polar, with proline, which is neutral and non-polar, at codon 345 of the ALPK3 protein (p.Arg345Pro).